The following is an entry in ClinVar:

ClinVar aggregate classification (germline): Uncertain significance (1 of 4 stars; one submission).

Submission:

Women's Health and Genetics/Laboratory Corporation of America, LabCorp
Classification: Uncertain significance. Last evaluated: 2025-09-05. Review status: criteria provided, single submitter. Criteria: LabCorp Variant Classification Summary - May 2015. Collection method: clinical testing. Allele origin: germline.
Comment: Variant summary: DDX11 c.601G>A (p.Glu201Lys) results in a conservative amino acid change in the encoded protein sequence. Algorithms developed to predict the effect of missense changes on protein structure and function are either unavailable or do not agree on the potential impact of this missense change. The variant allele was found at a frequency of 0.0005 in 199666 control chromosomes. This frequency is not significantly higher than estimated for disease-causing variants in DDX11, allowing no conclusion about variant significance. To our knowledge, no occurrence of c.601G>A in individuals affected with DDX11-related conditions and no experimental evidence demonstrating its impact on protein function have been reported. No submitters have cited clinical-significance assessments for this variant to ClinVar. Based on the evidence outlined above, the variant was classified as uncertain significance.

Literature cited by the submitters: PubMed 26689913; PubMed 30377213; PubMed 24909177; PubMed 23773993.

NM_030653.4(DDX11):c.601G>A (p.Glu201Lys)

Gene: DDX11 (DEAD/H-box helicase 11; plus strand). Cytogenetic location: 12p11.21.
Variant type: single nucleotide variant.
Coding change: c.601G>A on transcript NM_030653.4 (MANE Select); coding-DNA position 601, G replaced by A.
Protein change: p.Glu201Lys; replaces glutamic acid 201 with lysine.
Molecular consequence: missense variant. On other transcripts: 5 prime UTR variant (3), non-coding transcript variant (4).
Genome position (GRCh38, 1-based): chr12:31,085,089, G>A. VCF-style: chr12-31085089-G-A. GRCh37 (hg19) VCF-style: chr12-31238023-G-A.
Other names: c.601G>A, p.Glu201Lys (NM_001413693.1, NM_001413694.1, NM_001413695.1 and 5 more transcripts); c.523G>A, p.Glu175Lys (NM_001413697.1, NM_001413698.1, NM_001413699.1 and 1 more transcripts); c.514G>A, p.Glu172Lys (NM_001413700.1); c.73G>A, p.Glu25Lys (NM_001413702.1, NM_001413703.1); c.-460G>A (NM_001413704.1, NM_001413705.1); c.-278G>A (NM_001413706.1); short protein forms E172K, E175K, E201K, E25K.
Identifiers: ClinVar variation 4535718 (VCV004535718.1).